The following is an entry in ClinVar:

NM_003560.4(PLA2G6):c.2340C>T (p.Asn780=)

Gene: PLA2G6 (phospholipase A2 group VI; minus strand). Cytogenetic location: 22q13.1.
Variant type: single nucleotide variant.
Coding change: c.2340C>T on transcript NM_003560.4 (MANE Select); coding-DNA position 2340, C replaced by T.
Protein change: p.Asn780=; no amino-acid change (asparagine 780 retained).
Molecular consequence: synonymous variant.
Genome position (GRCh38, 1-based): chr22:38,112,242, G>A on the plus strand (C>T on the coding strand, the complement: PLA2G6 is on the minus strand). VCF-style: chr22-38112242-G-A. GRCh37 (hg19) VCF-style: chr22-38508249-G-A.
Other names: p.Asn780=; c.2178C>T, p.Asn726= (NM_001004426.3, NM_001199562.3, NM_001349865.2 and 1 more transcripts); c.2340C>T, p.Asn780= (NM_001349864.2); c.1806C>T, p.Asn602= (NM_001349867.2); c.1662C>T, p.Asn554= (NM_001349868.2); c.1644C>T, p.Asn548= (NM_001349869.2).
Identifiers: ClinVar variation 159765 (VCV000159765.63), dbSNP rs138683183, ClinGen allele CA173263.

ClinVar aggregate classification (germline): Benign/Likely benign. Review status: criteria provided, multiple submitters, no conflicts (2 of 4 stars). 10 submissions from 10 submitters: Benign (4); Likely benign (3). 3 of the submissions do not count toward it. Last evaluated 2026-08-01.

Conditions:
PLA2G6-associated neurodegeneration (PLAN). Also called: phospholipase A2-associated neurodegeneration. Identifiers: Orphanet 329303, MedGen CN204472, MONDO:0017998.
Infantile neuroaxonal dystrophy (NBIA2A). Also called: Infantile neuroaxonal dystrophy 1; NEURODEGENERATION WITH BRAIN IRON ACCUMULATION 2A; SEITELBERGER DISEASE. Identifiers: Orphanet 35069, MedGen C0270724, MONDO:0024457, OMIM 256600.

Allele frequency attached by ClinVar (database versions not stated): 1000 Genomes Project 30x 0.00344; 1000 Genomes Project 0.00399; TOPMed 0.00413; ESP Exome Variant Server 0.00484; gnomAD exomes 0.00653 and 0.00752; gnomAD 0.00667 and 0.00691; ExAC 0.00812.

Submissions (10):

CeGaT Center for Human Genetics Tuebingen
Classification: Likely benign. Last evaluated: 2026-08-01. Review status: criteria provided, single submitter. Criteria: CeGaT Center For Human Genetics Tuebingen Variant Classification Criteria Version 2. Collection method: clinical testing. Allele origin: germline. Affected: yes. Observed: 36 variant alleles.
Comment: PLA2G6: BP4, BP7, BS2

Labcorp Genetics (formerly Invitae), Labcorp
Classification: Benign for Infantile neuroaxonal dystrophy. Last evaluated: 2026-02-04. Review status: criteria provided, single submitter. Criteria: Invitae Variant Classification Sherloc (09022015). Collection method: clinical testing. Allele origin: germline.

GeneDx
Classification: Benign. Last evaluated: 2019-01-28. Review status: criteria provided, single submitter. Criteria: GeneDx Variant Classification Process June 2021. Collection method: clinical testing. Allele origin: germline. Affected: yes.
Comment: This variant is associated with the following publications: (PMID: 21812034)

Mayo Clinic Laboratories, Mayo Clinic
Classification: Benign. Last evaluated: 2018-04-03. Review status: criteria provided, single submitter. Criteria: ACMG Guidelines, 2015. Collection method: clinical testing. Allele origin: germline. Observed: 18 variant alleles.

Illumina Laboratory Services, Illumina
Classification: Likely benign for PLA2G6-associated neurodegeneration. Last evaluated: 2018-01-13. Review status: criteria provided, single submitter. Criteria: ICSL Variant Classification Criteria 13 December 2019. Collection method: clinical testing. Allele origin: germline.
Comment: This variant was observed in the ICSL laboratory as part of a predisposition screen in an ostensibly healthy population. It had not been previously curated by ICSL or reported in the Human Gene Mutation Database (HGMD: prior to June 1st, 2018), and was therefore a candidate for classification through an automated scoring system. Utilizing variant allele frequency, disease prevalence and penetrance estimates, and inheritance mode, an automated score was calculated to assess if this variant is too frequent to cause the disease. Based on the score and internal cut-off values, a variant classified as likely benign is not then subjected to further curation. The score for this variant resulted in a classification of likely benign for this disease.

Genetic Services Laboratory, University of Chicago
Classification: Benign. Last evaluated: 2013-02-08. Review status: criteria provided, single submitter. Criteria: ACMG Guidelines, 2007. Collection method: clinical testing. Allele origin: germline. Inheritance: Autosomal recessive inheritance.

Breakthrough Genomics
Classification: Likely benign. Review status: criteria provided, single submitter. Criteria: ACMG Guidelines, 2015. Collection method: not provided. Allele origin: germline. Inheritance: Autosomal recessive inheritance. Affected: yes.

Clinical Genetics DNA and cytogenetics Diagnostics Lab, Erasmus MC, Erasmus Medical Center
Classification: Benign. Review status: no assertion criteria provided. Collection method: clinical testing. Allele origin: germline. Affected: yes. Study: VKGL Data-share Consensus. Not counted in ClinVar's aggregate classification.

Clinical Genetics, Academic Medical Center
Classification: Benign. Review status: no assertion criteria provided. Collection method: clinical testing. Allele origin: germline. Affected: yes. Study: VKGL Data-share Consensus. Not counted in ClinVar's aggregate classification.

Genome Diagnostics Laboratory, Amsterdam University Medical Center
Classification: Likely benign. Review status: no assertion criteria provided. Collection method: clinical testing. Allele origin: germline. Affected: yes. Study: VKGL Data-share Consensus. Not counted in ClinVar's aggregate classification.